The following is an entry in ClinVar:

NM_000540.3(RYR1):c.11608+1G>C

Gene: RYR1 (ryanodine receptor 1; plus strand). Cytogenetic location: 19q13.2.
Variant type: single nucleotide variant.
Coding change: c.11608+1G>C on transcript NM_000540.3 (MANE Select); the canonical splice donor site of the intron after coding-DNA position 11608, G replaced by C.
Molecular consequence: splice donor variant.
Genome position (GRCh38, 1-based): chr19:38,536,768, G>C. VCF-style: chr19-38536768-G-C. GRCh37 (hg19) VCF-style: chr19-39027408-G-C.
Other names: c.11593+1G>C (NM_001042723.2).
Identifiers: ClinVar variation 2170374 (VCV002170374.5), dbSNP rs1354044963, ClinGen allele CA405657671.

ClinVar aggregate classification (germline): Conflicting classifications of pathogenicity. Review status: criteria provided, conflicting classifications (1 of 4 stars). 2 submissions from 2 submitters: Likely pathogenic (1); Uncertain significance (1). Last evaluated 2024-07-20.

Conditions:
RYR1-related disorder. Also called: RYR1-related condition; RYR1-related disorders. Identifiers: MedGen CN239331.
Malignant hyperthermia, susceptibility to, 1 (MHS1). Also called: RYR1-Related Malignant Hyperthermia Susceptibility; Malignant hyperthermia suceptibility 1; Anesthesia related hyperthermia; Malignant hyperpyrexia; Fulminating hyperpyrexia; Pharmacogenic myopathy. Identifiers: Orphanet 423, MedGen C2930980, MONDO:0007783, OMIM 145600.

Submissions (2):

All of Us Research Program, National Institutes of Health
Classification: Uncertain significance for Malignant hyperthermia, susceptibility to, 1. Last evaluated: 2024-07-20. Review status: criteria provided, single submitter. Criteria: ACMG Guidelines, 2015. Collection method: clinical testing. Allele origin: germline. Inheritance: Autosomal dominant inheritance. Observed: 1 variant allele, 1 heterozygote.
Comment: This variant causes a G>C nucleotide substitution at the +1 position of intron 83 in the RYR1 gene. Splice site prediction tools suggest that this variant may have a significant impact on RNA splicing. This variant has not been identified in the general population by the Genome Aggregation Database (gnomAD). Loss of RYR1 function is not an established disease mechanism for autosomal dominant malignant hyperthermia, although it is associated with other phenotype(s) (ClinVar Variation ID: 2170374). Therefore, this variant is classified as a Variant of Uncertain Significance for autosomal dominant malignant hyperthermia.

This study involves interpretation of variants in research participants for the purpose of population health screening. Participant phenotype was not available at the time of variant classification. Additional details can be found in publication PMID: 35346344, PMCID: PMC8962531

Labcorp Genetics (formerly Invitae), Labcorp
Classification: Likely pathogenic for RYR1-related disorder. Last evaluated: 2022-10-26. Review status: criteria provided, single submitter. Criteria: Invitae Variant Classification Sherloc (09022015). Collection method: clinical testing. Allele origin: germline.
Comment: In summary, the currently available evidence indicates that the variant is pathogenic, but additional data are needed to prove that conclusively. Therefore, this variant has been classified as Likely Pathogenic. Algorithms developed to predict the effect of sequence changes on RNA splicing suggest that this variant may disrupt the consensus splice site. This variant has not been reported in the literature in individuals affected with RYR1-related conditions. This variant is not present in population databases (gnomAD no frequency). This sequence change affects a donor splice site in intron 83 of the RYR1 gene. It is expected to disrupt RNA splicing. Variants that disrupt the donor or acceptor splice site typically lead to a loss of protein function (PMID: 16199547), and loss-of-function variants in RYR1 are known to be pathogenic (PMID: 20583297, 20839240, 23919265, 28818389).

Literature cited by the submitters: PubMed 16199547 (cited by Labcorp Genetics (formerly Invitae), Labcorp); PubMed 20583297 (cited by Labcorp Genetics (formerly Invitae), Labcorp); PubMed 20839240 (cited by Labcorp Genetics (formerly Invitae), Labcorp); PubMed 23919265 (cited by Labcorp Genetics (formerly Invitae), Labcorp); PubMed 28818389 (cited by Labcorp Genetics (formerly Invitae), Labcorp).